The following is an entry in ClinVar:

ClinVar aggregate classification (germline): Uncertain significance. Review status: criteria provided, multiple submitters, no conflicts (2 of 4 stars). 2 submissions from 2 submitters: Uncertain significance (2). Last evaluated 2024-09-24.

Conditions:
Cardiovascular phenotype. Identifiers: MedGen CN230736.
Long QT syndrome (LQTS). Identifiers: MedGen C0023976, MeSH D008133, MONDO:0002442. Disease mechanism: loss of function. Inheritance: Various modes of inheritance.

Allele frequency attached by ClinVar (database versions not stated): gnomAD 0.00001 and 0.00002; ExAC 0.00002; gnomAD exomes 0.00002 and 0.00003; TOPMed 0.00002.
gnomAD v4.1: 52 of 1,613,808 alleles (0.0032%); highest among the groups gnomAD compares: Middle Eastern, 0.016%; no homozygotes.

Submissions (2):

Labcorp Genetics (formerly Invitae), Labcorp
Classification: Uncertain significance for Long QT syndrome. Last evaluated: 2024-09-24. Review status: criteria provided, single submitter. Criteria: Invitae Variant Classification Sherloc (09022015). Collection method: clinical testing. Allele origin: germline.
Comment: This sequence change replaces arginine, which is basic and polar, with tryptophan, which is neutral and slightly polar, at codon 3046 of the AKAP9 protein (p.Arg3046Trp). This variant is present in population databases (rs780099038, gnomAD 0.006%). This variant has not been reported in the literature in individuals affected with AKAP9-related conditions. ClinVar contains an entry for this variant (Variation ID: 567518). An algorithm developed to predict the effect of missense changes on protein structure and function (PolyPhen-2) suggests that this variant is likely to be disruptive. In summary, the available evidence is currently insufficient to determine the role of this variant in disease. Therefore, it has been classified as a Variant of Uncertain Significance.

Ambry Genetics
Classification: Uncertain significance for Cardiovascular phenotype. Last evaluated: 2024-08-23. Review status: criteria provided, single submitter. Criteria: Ambry Variant Classification Scheme 2023. Collection method: clinical testing. Allele origin: germline.
Comment: The p.R3046W variant (also known as c.9136C>T), located in coding exon 37 of the AKAP9 gene, results from a C to T substitution at nucleotide position 9136. The arginine at codon 3046 is replaced by tryptophan, an amino acid with dissimilar properties. This amino acid position is conserved. In addition, this alteration is predicted to be tolerated by in silico analysis. Based on the available evidence, the clinical significance of this variant remains unclear.

NM_005751.5(AKAP9):c.9136C>T (p.Arg3046Trp)

Gene: AKAP9 (A-kinase anchoring protein 9; plus strand). Cytogenetic location: 7q21.2.
Variant type: single nucleotide variant.
Coding change: c.9136C>T on transcript NM_005751.5 (MANE Select); coding-DNA position 9136, C replaced by T.
Protein change: p.Arg3046Trp; replaces arginine 3046 with tryptophan.
Molecular consequence: missense variant.
Genome position (GRCh38, 1-based): chr7:92,086,339, C>T. VCF-style: chr7-92086339-C-T. GRCh37 (hg19) VCF-style: chr7-91715653-C-T.
Other names: c.3781C>T, p.Arg1261Trp (NM_001379277.1); c.9112C>T, p.Arg3038Trp (NM_147185.3); short protein forms R3046W, R3038W, R1261W.
Identifiers: ClinVar variation 567518 (VCV000567518.12), dbSNP rs780099038, ClinGen allele CA4337665.